The following is an entry in ClinVar:

NM_001082486.2(ACD):c.1051C>T (p.Arg351Cys)

Gene: ACD (ACD shelterin complex subunit and telomerase recruitment factor; minus strand). Cytogenetic location: 16q22.1.
Variant type: single nucleotide variant.
Coding change: c.1051C>T on transcript NM_001082486.2 (MANE Select); coding-DNA position 1051, C replaced by T.
Protein change: p.Arg351Cys; replaces arginine 351 with cysteine.
Molecular consequence: missense variant.
Genome position (GRCh38, 1-based): chr16:67,658,141, G>A on the plus strand (C>T on the coding strand, the complement: ACD is on the minus strand). VCF-style: chr16-67658141-G-A. GRCh37 (hg19) VCF-style: chr16-67692044-G-A.
Other names: c.964C>T, p.Arg322Cys (NM_001410884.1); c.1042C>T, p.Arg348Cys (NM_022914.3); short protein forms R348C, R351C, R322C.
Identifiers: ClinVar variation 2077469 (VCV002077469.4), dbSNP rs376242489, ClinGen allele CA8114452.
Genomic context (GRCh38, chr16:67,658,141, plus strand): 5'-CCAGGCTAGGTTTCTGGGGCCTGGTCACAAGAGCCTGGTGTGGACTGGGGACATGGCTAC[G>A]GGGTGAGAGACTGGGAGTGCAGCTCTGGAGTGGGGAGCTGGGGGTACGGCTGGCGTGTGG-3'
Protein context (NP_001075955.2, residues 341-361): LQSCTPSLSP[Arg351Cys]SHVPSPHQAL

ClinVar aggregate classification (germline): Uncertain significance (1 of 4 stars; one submission).

Conditions:
Dyskeratosis congenita, autosomal dominant 6 (DKCA6). Identifiers: Orphanet 3322, MedGen C4225284, MONDO:0014690, OMIM 616553.

Allele frequency attached by ClinVar (database versions not stated): gnomAD exomes 0.00002; ExAC 0.00003; TOPMed 0.00006; ESP Exome Variant Server 0.00008.
gnomAD v4.1: 34 of 1,601,990 alleles (0.0021%); highest among the groups gnomAD compares: Middle Eastern, 0.033%; no homozygotes.

Submission:

Labcorp Genetics (formerly Invitae), Labcorp
Classification: Uncertain significance for Dyskeratosis congenita, autosomal dominant 6. Last evaluated: 2025-07-21. Review status: criteria provided, single submitter. Criteria: Invitae Variant Classification Sherloc (09022015). Collection method: clinical testing. Allele origin: germline.
Comment: This sequence change replaces arginine, which is basic and polar, with cysteine, which is neutral and slightly polar, at codon 437 of the ACD protein (p.Arg437Cys). This variant is present in population databases (rs376242489, gnomAD 0.01%). This variant has not been reported in the literature in individuals affected with ACD-related conditions. ClinVar contains an entry for this variant (Variation ID: 2077469). Invitae Evidence Modeling of protein sequence and biophysical properties (such as structural, functional, and spatial information, amino acid conservation, physicochemical variation, residue mobility, and thermodynamic stability) indicates that this missense variant is not expected to disrupt ACD protein function with a negative predictive value of 80%. In summary, the available evidence is currently insufficient to determine the role of this variant in disease. Therefore, it has been classified as a Variant of Uncertain Significance.